The following is an entry in ClinVar:

ClinVar aggregate classification (germline): Uncertain significance (1 of 4 stars; one submission).

Conditions:
Epilepsy, progressive myoclonic, 1B. Also called: PME. Identifiers: Orphanet 308, MedGen C2676254, MONDO:0012904, OMIM 612437.

Submission:

Labcorp Genetics (formerly Invitae), Labcorp
Classification: Uncertain significance for Epilepsy, progressive myoclonic, 1B. Last evaluated: 2020-04-17. Review status: criteria provided, single submitter. Criteria: Invitae Variant Classification Sherloc (09022015). Collection method: clinical testing. Allele origin: germline.
Comment: This variant is not present in population databases (ExAC no frequency). In summary, the available evidence is currently insufficient to determine the role of this variant in disease. Therefore, it has been classified as a Variant of Uncertain Significance. Algorithms developed to predict the effect of missense changes on protein structure and function are either unavailable or do not agree on the potential impact of this missense change (SIFT: "Deleterious"; PolyPhen-2: "Benign"; Align-GVGD: "Class C0"). This variant has not been reported in the literature in individuals with PRICKLE1-related conditions. This sequence change replaces glycine with valine at codon 742 of the PRICKLE1 protein (p.Gly742Val). The glycine residue is weakly conserved and there is a moderate physicochemical difference between glycine and valine.

NM_153026.3(PRICKLE1):c.2225G>T (p.Gly742Val)

Gene: PRICKLE1 (prickle planar cell polarity protein 1; minus strand). Cytogenetic location: 12q12.
Variant type: single nucleotide variant.
Coding change: c.2225G>T on transcript NM_153026.3 (MANE Select); coding-DNA position 2225, G replaced by T.
Protein change: p.Gly742Val; replaces glycine 742 with valine.
Molecular consequence: missense variant.
Genome position (GRCh38, 1-based): chr12:42,460,080, C>A on the plus strand (G>T on the coding strand, the complement: PRICKLE1 is on the minus strand). VCF-style: chr12-42460080-C-A. GRCh37 (hg19) VCF-style: chr12-42853882-C-A.
Other names: c.2225G>T, p.Gly742Val (NM_001144881.2, NM_001144882.2, NM_001144883.2); short protein forms G742V.
Identifiers: ClinVar variation 1043308 (VCV001043308.8), dbSNP rs1180000042, ClinGen allele CA384439933.